The following is an entry in ClinVar:

NM_002480.3(PPP1R12A):c.867+4T>C

Gene: PPP1R12A (protein phosphatase 1 regulatory subunit 12A; minus strand). Cytogenetic location: 12q21.2.
Variant type: single nucleotide variant.
Coding change: c.867+4T>C on transcript NM_002480.3 (MANE Select); 4 bases into the intron after coding-DNA position 867, T replaced by C.
Molecular consequence: intron variant.
Genome position (GRCh38, 1-based): chr12:79,822,112, A>G on the plus strand (T>C on the coding strand, the complement: PPP1R12A is on the minus strand). VCF-style: chr12-79822112-A-G. GRCh37 (hg19) VCF-style: chr12-80215892-A-G.
Other names: c.867+4T>C (NM_001244992.1, NM_001244990.2, NM_001143885.2); c.606+4T>C (NM_001143886.2).
Identifiers: ClinVar variation 4980354 (VCV004980354.1).
Genomic context (GRCh38, chr12:79,822,112, plus strand): 5'-AATTGTCTCAAATTCAAAATTATTAAGGTAAGTAATATAGGCAATTATTAGTCATCAAAC[A>G]TACCAGATTTTGTTTCTTTTGCAACTCTTCTAAATATCCTAAAATGTCTTCATCTGCTAC-3'

ClinVar aggregate classification (germline): Uncertain significance (1 of 4 stars; one submission).

Conditions:
PPP1R12A-related disorder. Also called: PPP1R12A-related condition.

gnomAD v4.1: 10 of 1,525,738 alleles (0.00066%); highest among the groups gnomAD compares: East Asian, 0.0046%; no homozygotes.

Submission:

PreventionGenetics, part of Exact Sciences
Classification: Uncertain significance for PPP1R12A-related condition. Last evaluated: 2026-03-12. Review status: criteria provided, single submitter. Criteria: ACMG Guidelines, 2015. Collection method: clinical testing. Allele origin: germline.
Comment: The PPP1R12A c.867+4T>C variant is predicted to interfere with splicing. which is not predicted to interfere with splicing based on available splicing prediction programs (SpliceAI, Jaganathan et al. 2019. PubMed ID: 30661751); however, the +4 position is part of the minimal donor splice region which is clinically relevant (Lord et al. 2019. PubMed ID: 30587507; Walker et al. 2023. PubMed ID: 37352859). To our knowledge, this variant has not been reported in the literature. This variant is reported in 0.0070% of alleles in individuals of East Asian descent in gnomAD. At this time, the clinical significance of this variant is uncertain due to the absence of conclusive functional and genetic evidence.